The following is an entry in ClinVar:

ClinVar aggregate classification (germline): Uncertain significance. Review status: criteria provided, multiple submitters, no conflicts (2 of 4 stars). 2 submissions from 2 submitters: Uncertain significance (2). Last evaluated 2026-06-16.

Conditions:
ALMS1-related disorder. Also called: ALMS1-related condition.
Alstrom syndrome (ALMS). Identifiers: Orphanet 64, MedGen C0268425, MONDO:0008763, OMIM 203800.

Submissions (2):

PreventionGenetics, part of Exact Sciences
Classification: Uncertain significance for ALMS1-related condition. Last evaluated: 2026-06-16. Review status: criteria provided, single submitter. Criteria: ACMG Guidelines, 2015. Collection method: clinical testing. Allele origin: germline.
Comment: The ALMS1 c.6161A>T variant is predicted to result in the amino acid substitution p.Asn2054Ile. To our knowledge, this variant has not been reported in the literature. This variant is reported in 0.0098% of alleles in individuals of South Asian descent in gnomAD. At this time, the clinical significance of this variant is uncertain due to the absence of conclusive functional and genetic evidence.

Labcorp Genetics (formerly Invitae), Labcorp
Classification: Uncertain significance for Alstrom syndrome. Last evaluated: 2022-08-16. Review status: criteria provided, single submitter. Criteria: Invitae Variant Classification Sherloc (09022015). Collection method: clinical testing. Allele origin: germline.
Comment: In summary, the available evidence is currently insufficient to determine the role of this variant in disease. Therefore, it has been classified as a Variant of Uncertain Significance. Experimental studies and prediction algorithms are not available or were not evaluated, and the functional significance of this variant is currently unknown. This variant has not been reported in the literature in individuals affected with ALMS1-related conditions. This variant is not present in population databases (gnomAD no frequency). This sequence change replaces lysine, which is basic and polar, with methionine, which is neutral and non-polar, at codon 2054 of the ALMS1 protein (p.Lys2054Met).

NM_001378454.1(ALMS1):c.6158A>T (p.Lys2053Met)

Gene: ALMS1 (ALMS1 centrosome and basal body associated protein; plus strand). Cytogenetic location: 2p13.1.
Variant type: single nucleotide variant.
Coding change: c.6158A>T on transcript NM_001378454.1 (MANE Select); coding-DNA position 6158, A replaced by T.
Protein change: p.Lys2053Met; replaces lysine 2053 with methionine.
Molecular consequence: missense variant.
Genome position (GRCh38, 1-based): chr2:73,452,685, A>T. VCF-style: chr2-73452685-A-T. GRCh37 (hg19) VCF-style: chr2-73679812-A-T.
Other names: c.6161A>T, p.Lys2054Met (NM_015120.4); short protein forms K2053M, K2054M.
Identifiers: ClinVar variation 2076262 (VCV002076262.5), dbSNP rs2466108147, ClinGen allele CA347285114.